The following is an entry in ClinVar:

NC_012920.1(MT-CYB):m.15099T>C

Gene: MT-CYB (mitochondrially encoded cytochrome b; plus strand).
Variant type: single nucleotide variant.
Genome position: chrM-15099-T-C.
Identifiers: ClinVar variation 693824 (VCV000693824.1), dbSNP rs1603225077, ClinGen allele CA913172941.

ClinVar aggregate classification (germline): Likely benign (1 of 4 stars; one submission).

Conditions:
Leigh syndrome (NULS). Also called: Leigh's necrotizing encephalopathy; Leigh's disease; Leigh's syndrome; LEIGH SYNDROME, NUCLEAR; Leigh Syndrome (mtDNA deletion); Leigh Disease. Identifiers: Orphanet 506, MedGen C2931891, MONDO:0009723, OMIM 256000.

Submission:

Wong Mito Lab, Molecular and Human Genetics, Baylor College of Medicine
Classification: Likely benign for Leigh syndrome. Last evaluated: 2019-10-17. Review status: criteria provided, single submitter. Criteria: Modified ACMG Guidelines (Unpublished). Collection method: clinical testing. Allele origin: germline.
Comment: The NC_012920.1:m.15099T>C (YP_003024038.1:p.Ile118Thr) variant in MTCYB gene is interpretated to be a Likely Benign variant based on the modified ACMG guidelines (unpublished). This variant meets the following evidence codes: BS1, BP4